The following is an entry in ClinVar:

ClinVar aggregate classification (germline): Pathogenic (1 of 4 stars; one submission).

Submission:

CeGaT Center for Human Genetics Tuebingen
Classification: Pathogenic. Last evaluated: 2024-01-01. Review status: criteria provided, single submitter. Criteria: CeGaT Center For Human Genetics Tuebingen Variant Classification Criteria Version 2. Collection method: clinical testing. Allele origin: germline. Affected: yes. Observed: 3 variant alleles.
Comment: DMD: PVS1, PM2, PS4:Moderate

NM_004006.3(DMD):c.6889C>T (p.Gln2297Ter)

Gene: DMD (dystrophin; minus strand). Cytogenetic location: Xp21.1.
Variant type: single nucleotide variant.
Coding change: c.6889C>T on transcript NM_004006.3 (MANE Select); coding-DNA position 6889, C replaced by T.
Protein change: p.Gln2297Ter; replaces glutamine 2297 with a stop codon.
Molecular consequence: nonsense. On other transcripts: 5 prime UTR variant (5).
Genome position (GRCh38, 1-based): chrX:31,929,619, G>A on the plus strand (C>T on the coding strand, the complement: DMD is on the minus strand). VCF-style: chrX-31929619-G-A. GRCh37 (hg19) VCF-style: chrX-31947736-G-A.
Other names: c.6865C>T, p.Gln2289Ter (NM_000109.4); c.6877C>T, p.Gln2293Ter (NM_004009.3); c.6520C>T, p.Gln2174Ter (NM_004010.3); c.2866C>T, p.Gln956Ter (NM_004011.4); c.2857C>T, p.Gln953Ter (NM_004012.4); c.-492C>T (NM_004013.3, NM_004020.4, NM_004021.3 and 2 more transcripts); short protein forms Q956*, Q2293*, Q2174*, Q2289*, Q2297*, Q953*.
Identifiers: ClinVar variation 932486 (VCV000932486.39), dbSNP rs2094827553, ClinGen allele CA412657802.